The following is an entry in ClinVar:

ClinVar aggregate classification (germline): Uncertain significance (1 of 4 stars; one submission).

Submission:

Ambry Genetics
Classification: Uncertain significance. Last evaluated: 2021-12-27. Review status: criteria provided, single submitter. Criteria: Ambry Variant Classification Scheme 2023. Collection method: clinical testing. Allele origin: germline.
Comment: The p.S3290Y variant (also known as c.9869C>A), located in coding exon 70 of the PRKDC gene, results from a C to A substitution at nucleotide position 9869. The serine at codon 3290 is replaced by tyrosine, an amino acid with dissimilar properties. This amino acid position is conserved. Since supporting evidence is limited at this time, the clinical significance of this alteration remains unclear.

NM_006904.7(PRKDC):c.9869C>A (p.Ser3290Tyr)

Gene: PRKDC (protein kinase, DNA-activated, catalytic subunit; minus strand). Cytogenetic location: 8q11.21.
Variant type: single nucleotide variant.
Coding change: c.9869C>A on transcript NM_006904.7 (MANE Select); coding-DNA position 9869, C replaced by A.
Protein change: p.Ser3290Tyr; replaces serine 3290 with tyrosine.
Molecular consequence: missense variant.
Genome position (GRCh38, 1-based): chr8:47,803,359, G>T on the plus strand (C>A on the coding strand, the complement: PRKDC is on the minus strand). VCF-style: chr8-47803359-G-T. GRCh37 (hg19) VCF-style: chr8-48715920-G-T.
Other names: c.9869C>A, p.Ser3290Tyr (NM_001081640.2); short protein forms S3290Y.
Identifiers: ClinVar variation 1768437 (VCV001768437.2), dbSNP rs2551863333, ClinGen allele CA371136588.